The following is an entry in ClinVar:

ClinVar aggregate classification (germline): Likely benign. Review status: criteria provided, multiple submitters, no conflicts (2 of 4 stars). 5 submissions from 5 submitters: Likely benign (4). 1 of the submissions does not count toward it. Last evaluated 2026-06-01.

Conditions:
TCTN3-related disorder. Also called: TCTN3-related condition.
Joubert syndrome 18 (JBTS18). Identifiers: Orphanet 2754, MedGen C3553758, MONDO:0013896, OMIM 614815.
Orofacial-digital syndrome IV (OFD4). Also called: Orofaciodigital syndrome IV; MOHR-MAJEWSKI SYNDROME; BARAITSER-BURN SYNDROME; OFD SYNDROME WITH TIBIAL DEFECTS; OFD SYNDROME, BARAITSER-BURN TYPE; OFDS IV. Identifiers: Orphanet 2753, MedGen C0406727, MONDO:0009794, OMIM 258860.

Allele frequency attached by ClinVar (database versions not stated): 1000 Genomes Project 30x 0.00016; 1000 Genomes Project 0.00020; gnomAD 0.00068 and 0.00071; TOPMed 0.00071; ExAC 0.00072; gnomAD exomes 0.00073 and 0.00104; ESP Exome Variant Server 0.00161.

Submissions (5):

CeGaT Center for Human Genetics Tuebingen
Classification: Likely benign. Last evaluated: 2026-06-01. Review status: criteria provided, single submitter. Criteria: CeGaT Center For Human Genetics Tuebingen Variant Classification Criteria Version 2. Collection method: clinical testing. Allele origin: germline. Affected: yes. Observed: 7 variant alleles.
Comment: TCTN3: BP4, BP7

Labcorp Genetics (formerly Invitae), Labcorp
Classification: Likely benign for Joubert syndrome 18; Orofacial-digital syndrome IV. Last evaluated: 2026-01-28. Review status: criteria provided, single submitter. Criteria: Invitae Variant Classification Sherloc (09022015). Collection method: clinical testing. Allele origin: germline.

Blueprint Genetics
Classification: Likely benign. Last evaluated: 2024-11-22. Review status: criteria provided, single submitter. Criteria: ACMG Guidelines, 2015. Collection method: clinical testing. Allele origin: germline.

GeneDx
Classification: Likely benign. Last evaluated: 2019-12-07. Review status: criteria provided, single submitter. Criteria: GeneDx Variant Classification Process June 2021. Collection method: clinical testing. Allele origin: germline. Affected: yes.

PreventionGenetics, part of Exact Sciences
Classification: Likely benign for TCTN3-related condition. Last evaluated: 2019-08-28. Review status: no assertion criteria provided. Collection method: clinical testing. Allele origin: germline. Not counted in ClinVar's aggregate classification.
Comment: This variant is classified as likely benign based on ACMG/AMP sequence variant interpretation guidelines (Richards et al. 2015 PMID: 25741868, with internal and published modifications).

NM_015631.6(TCTN3):c.1764C>T (p.Val588=)

Gene: TCTN3 (tectonic family member 3; minus strand). Cytogenetic location: 10q24.1.
Variant type: single nucleotide variant.
Coding change: c.1764C>T on transcript NM_015631.6 (MANE Select); coding-DNA position 1764, C replaced by T.
Protein change: p.Val588=; no amino-acid change (valine 588 retained).
Molecular consequence: synonymous variant.
Genome position (GRCh38, 1-based): chr10:95,664,127, G>A on the plus strand (C>T on the coding strand, the complement: TCTN3 is on the minus strand). VCF-style: chr10-95664127-G-A. GRCh37 (hg19) VCF-style: chr10-97423884-G-A.
Other names: c.1320C>T, p.Val440= (NM_001143973.2).
Identifiers: ClinVar variation 386676 (VCV000386676.39), dbSNP rs137856303, ClinGen allele CA5620747.
Genomic context (GRCh38, chr10:95,664,127, plus strand): 5'-TCACATAGTCTCTAGGTTGAGAACTCCAAGTAGTAAGAGGCACAGGATAAGGATGGGAGA[G>A]ACTGAGCATTTTTGAGAGAATACTCCTCTGCTGAATGCCACTTTGAAGGGAAAGAAGTCG-3'
Protein context (NP_056446.4, residues 578-598): SRGVFSQKCS[Val588=]SPILILCLLL